The following is an entry in ClinVar:

NM_017617.5(NOTCH1):c.866-3C>T

Gene: NOTCH1 (notch receptor 1; minus strand). Cytogenetic location: 9q34.3.
Variant type: single nucleotide variant.
Coding change: c.866-3C>T on transcript NM_017617.5 (MANE Select); 3 bases into the intron before coding-DNA position 866, C replaced by T.
Molecular consequence: intron variant.
Genome position (GRCh38, 1-based): chr9:136,518,827, G>A on the plus strand (C>T on the coding strand, the complement: NOTCH1 is on the minus strand). VCF-style: chr9-136518827-G-A. GRCh37 (hg19) VCF-style: chr9-139413279-G-A.
Identifiers: ClinVar variation 1382370 (VCV001382370.6), dbSNP rs950602055, ClinGen allele CA201587691.

ClinVar aggregate classification (germline): Uncertain significance (1 of 4 stars; one submission).

Conditions:
Adams-Oliver syndrome 5 (AOS5). Identifiers: Orphanet 974, MedGen C4014970, MONDO:0014459, OMIM 616028.

Allele frequency attached by ClinVar (database versions not stated): TOPMed below 0.00001; gnomAD 0.00001; gnomAD exomes 0.00001.
gnomAD v4.1: 8 of 1,611,916 alleles (0.0005%); highest among the groups gnomAD compares: Non-Finnish European, 0.00068%; no homozygotes.

Submission:

Labcorp Genetics (formerly Invitae), Labcorp
Classification: Uncertain significance for Adams-Oliver syndrome 5. Last evaluated: 2024-11-11. Review status: criteria provided, single submitter. Criteria: Invitae Variant Classification Sherloc (09022015). Collection method: clinical testing. Allele origin: germline.
Comment: This sequence change falls in intron 5 of the NOTCH1 gene. It does not directly change the encoded amino acid sequence of the NOTCH1 protein. It affects a nucleotide within the consensus splice site. This variant is not present in population databases (gnomAD no frequency). This variant has not been reported in the literature in individuals affected with NOTCH1-related conditions. ClinVar contains an entry for this variant (Variation ID: 1382370). Variants that disrupt the consensus splice site are a relatively common cause of aberrant splicing (PMID: 17576681, 9536098). Algorithms developed to predict the effect of sequence changes on RNA splicing suggest that this variant is not likely to affect RNA splicing. In summary, the available evidence is currently insufficient to determine the role of this variant in disease. Therefore, it has been classified as a Variant of Uncertain Significance.

Literature cited by the submitters: PubMed 17576681; PubMed 9536098.